The following is an entry in ClinVar:

NM_000488.4(SERPINC1):c.663G>A (p.Trp221Ter)

Gene: SERPINC1 (serpin family C member 1; minus strand). Cytogenetic location: 1q25.1.
Variant type: single nucleotide variant.
Coding change: c.663G>A on transcript NM_000488.4 (MANE Select); coding-DNA position 663, G replaced by A.
Protein change: p.Trp221Ter; replaces tryptophan 221 with a stop codon.
Molecular consequence: nonsense.
Genome position (GRCh38, 1-based): chr1:173,910,853, C>T on the plus strand (G>A on the coding strand, the complement: SERPINC1 is on the minus strand). VCF-style: chr1-173910853-C-T. GRCh37 (hg19) VCF-style: chr1-173879991-C-T.
Other names: p.Trp221*; c.519G>A, p.Trp173Ter (NM_001365052.2); c.663G>A, p.Trp221Ter (NM_001386302.1, NM_001386304.1, NM_001386305.1); c.744G>A, p.Trp248Ter (NM_001386303.1); c.447G>A, p.Trp149Ter (NM_001386306.1); short protein forms W149*, W173*, W221*, W248*.
Identifiers: ClinVar variation 2683229 (VCV002683229.2), dbSNP rs2526576921, ClinGen allele CA343775669.

ClinVar aggregate classification (germline): Pathogenic (1 of 4 stars; one submission).

Submission:

Mayo Clinic Laboratories, Mayo Clinic
Classification: Pathogenic. Last evaluated: 2024-08-02. Review status: criteria provided, single submitter. Criteria: ACMG Guidelines, 2015. Collection method: clinical testing. Allele origin: germline.
Comment: PM2_moderate, PS4_moderate, PVS1

Literature cited by the submitters: PubMed 31030036.